The following is an entry in ClinVar:

NM_004924.6(ACTN4):c.369C>T (p.Gly123=)

Gene: ACTN4 (actinin alpha 4; plus strand). Cytogenetic location: 19q13.2.
Variant type: single nucleotide variant.
Coding change: c.369C>T on transcript NM_004924.6 (MANE Select); coding-DNA position 369, C replaced by T.
Protein change: p.Gly123=; no amino-acid change (glycine 123 retained).
Molecular consequence: synonymous variant.
Genome position (GRCh38, 1-based): chr19:38,701,093, C>T. VCF-style: chr19-38701093-C-T. GRCh37 (hg19) VCF-style: chr19-39191733-C-T.
Other names: p.Gly123=; c.369C>T, p.Gly123= (NM_001322033.2).
Identifiers: ClinVar variation 259578 (VCV000259578.42), dbSNP rs140381330, ClinGen allele CA9417245.
Genomic context (GRCh38, chr19:38,701,093, plus strand): 5'-GATGAGAGTGCACAAAATCAACAATGTGAACAAAGCGCTGGACTTTATTGCCAGCAAAGG[C>T]GTCAAGCTGGTCTCCATCGGGGCAGAAGGTGAGCTGGAGGTGGGGCAGCGAGGGTCCTGC-3'
Protein context (NP_004915.2, residues 113-133): NKALDFIASK[Gly123=]VKLVSIGAEE

ClinVar aggregate classification (germline): Benign/Likely benign. Review status: criteria provided, multiple submitters, no conflicts (2 of 4 stars). 8 submissions from 8 submitters: Benign (5); Likely benign (3). Last evaluated 2026-01-30.

Conditions:
Focal segmental glomerulosclerosis 1 (FSGS1). Identifiers: Orphanet 656, MedGen C4551527, MONDO:0011303, OMIM 603278.
Focal segmental glomerulosclerosis (FSGS). Also called: Glomerulosclerosis, focal; Focal sclerosis with hyalinosis. Identifiers: MedGen C0017668, MONDO:0100313, HP:0000097. Disease mechanism: loss of function.

Allele frequency attached by ClinVar (database versions not stated): 1000 Genomes Project 0.00280; 1000 Genomes Project 30x 0.00344; TOPMed 0.00759; gnomAD 0.00836 and 0.00875; ESP Exome Variant Server 0.00930; ExAC 0.00944.
gnomAD v4.1: 20,400 of 1,614,090 alleles (1.3%); highest among the groups gnomAD compares: Non-Finnish European, 1.5%; 158 homozygotes.

Submissions 1 to 32 of 80:

Labcorp Genetics (formerly Invitae), Labcorp
Classification: Benign. Last evaluated: 2026-01-30. Review status: criteria provided, single submitter. Criteria: Invitae Variant Classification Sherloc (09022015). Collection method: clinical testing. Allele origin: germline.

Blueprint Genetics
Classification: Likely benign. Last evaluated: 2024-11-25. Review status: criteria provided, single submitter. Criteria: ACMG Guidelines, 2015. Collection method: clinical testing. Allele origin: germline.

CeGaT Center for Human Genetics Tuebingen
Classification: Benign. Last evaluated: 2024-03-01. Review status: criteria provided, single submitter. Criteria: CeGaT Center For Human Genetics Tuebingen Variant Classification Criteria Version 2. Collection method: clinical testing. Allele origin: germline. Affected: yes. Observed: 1 variant allele.
Comment: ACTN4: BP4, BP7, BS1, BS2

Mayo Clinic Laboratories, Mayo Clinic
Classification: Benign. Last evaluated: 2023-12-29. Review status: criteria provided, single submitter. Criteria: ACMG Guidelines, 2015. Collection method: clinical testing. Allele origin: germline. Observed: 3 variant alleles.
Comment: BS1, BS2, BP4, BP7

Genome-Nilou Lab
Classification: Benign for Focal segmental glomerulosclerosis 1. Last evaluated: 2021-12-05. Review status: criteria provided, single submitter. Criteria: ACMG Guidelines, 2015. Collection method: clinical testing. Allele origin: germline. Affected: no.

GeneDx
Classification: Likely benign. Last evaluated: 2021-01-05. Review status: criteria provided, single submitter. Criteria: GeneDx Variant Classification Process June 2021. Collection method: clinical testing. Allele origin: germline. Affected: yes.

Genome Diagnostics Laboratory, The Hospital for Sick Children
Classification: Likely benign for Focal segmental glomerulosclerosis. Last evaluated: 2020-03-01. Review status: criteria provided, single submitter. Criteria: ACMG Guidelines, 2015. Collection method: clinical testing. Allele origin: germline.

PreventionGenetics, part of Exact Sciences
Classification: Benign. Review status: criteria provided, single submitter. Criteria: ACMG Guidelines, 2015. Collection method: clinical testing. Allele origin: germline.

Dr. Peter K. Rogan Lab, Western University
No classification provided (evidence only). Condition: Uveal melanoma. Review status: no classification provided. Collection method: in vitro. Allele origin: not applicable. Functional consequence: retained intron. Not counted in ClinVar's aggregate classification.

Dr. Peter K. Rogan Lab, Western University
No classification provided (evidence only). Condition: Uveal melanoma. Review status: no classification provided. Collection method: in vitro. Allele origin: not applicable. Functional consequence: retained intron. Not counted in ClinVar's aggregate classification.

Dr. Peter K. Rogan Lab, Western University
No classification provided (evidence only). Condition: Malignant tumor of esophagus. Review status: no classification provided. Collection method: in vitro. Allele origin: not applicable. Functional consequence: retained intron. Not counted in ClinVar's aggregate classification.

Dr. Peter K. Rogan Lab, Western University
No classification provided (evidence only). Condition: Clear cell carcinoma of kidney. Review status: no classification provided. Collection method: in vitro. Allele origin: not applicable. Functional consequence: retained intron. Not counted in ClinVar's aggregate classification.

Dr. Peter K. Rogan Lab, Western University
No classification provided (evidence only). Condition: Clear cell carcinoma of kidney. Review status: no classification provided. Collection method: in vitro. Allele origin: not applicable. Functional consequence: retained intron. Not counted in ClinVar's aggregate classification.

Dr. Peter K. Rogan Lab, Western University
No classification provided (evidence only). Condition: Clear cell carcinoma of kidney. Review status: no classification provided. Collection method: in vitro. Allele origin: not applicable. Functional consequence: retained intron. Not counted in ClinVar's aggregate classification.

Dr. Peter K. Rogan Lab, Western University
No classification provided (evidence only). Condition: Clear cell carcinoma of kidney. Review status: no classification provided. Collection method: in vitro. Allele origin: not applicable. Functional consequence: retained intron. Not counted in ClinVar's aggregate classification.

Dr. Peter K. Rogan Lab, Western University
No classification provided (evidence only). Condition: Clear cell carcinoma of kidney. Review status: no classification provided. Collection method: in vitro. Allele origin: not applicable. Functional consequence: retained intron. Not counted in ClinVar's aggregate classification.

Dr. Peter K. Rogan Lab, Western University
No classification provided (evidence only). Condition: Lung cancer. Review status: no classification provided. Collection method: in vitro. Allele origin: not applicable. Functional consequence: retained intron. Not counted in ClinVar's aggregate classification.

Dr. Peter K. Rogan Lab, Western University
No classification provided (evidence only). Condition: Lung cancer. Review status: no classification provided. Collection method: in vitro. Allele origin: not applicable. Functional consequence: retained intron. Not counted in ClinVar's aggregate classification.

Dr. Peter K. Rogan Lab, Western University
No classification provided (evidence only). Condition: Lung cancer. Review status: no classification provided. Collection method: in vitro. Allele origin: not applicable. Functional consequence: retained intron. Not counted in ClinVar's aggregate classification.

Dr. Peter K. Rogan Lab, Western University
No classification provided (evidence only). Condition: Lung cancer. Review status: no classification provided. Collection method: in vitro. Allele origin: not applicable. Functional consequence: retained intron. Not counted in ClinVar's aggregate classification.

Dr. Peter K. Rogan Lab, Western University
No classification provided (evidence only). Condition: Lung cancer. Review status: no classification provided. Collection method: in vitro. Allele origin: not applicable. Functional consequence: retained intron. Not counted in ClinVar's aggregate classification.

Dr. Peter K. Rogan Lab, Western University
No classification provided (evidence only). Condition: Lung cancer. Review status: no classification provided. Collection method: in vitro. Allele origin: not applicable. Functional consequence: retained intron. Not counted in ClinVar's aggregate classification.

Dr. Peter K. Rogan Lab, Western University
No classification provided (evidence only). Condition: Melanoma. Review status: no classification provided. Collection method: in vitro. Allele origin: not applicable. Functional consequence: retained intron. Not counted in ClinVar's aggregate classification.

Dr. Peter K. Rogan Lab, Western University
No classification provided (evidence only). Condition: Melanoma. Review status: no classification provided. Collection method: in vitro. Allele origin: not applicable. Functional consequence: retained intron. Not counted in ClinVar's aggregate classification.

Dr. Peter K. Rogan Lab, Western University
No classification provided (evidence only). Condition: Melanoma. Review status: no classification provided. Collection method: in vitro. Allele origin: not applicable. Functional consequence: retained intron. Not counted in ClinVar's aggregate classification.

Dr. Peter K. Rogan Lab, Western University
No classification provided (evidence only). Condition: Melanoma. Review status: no classification provided. Collection method: in vitro. Allele origin: not applicable. Functional consequence: retained intron. Not counted in ClinVar's aggregate classification.

Dr. Peter K. Rogan Lab, Western University
No classification provided (evidence only). Condition: Melanoma. Review status: no classification provided. Collection method: in vitro. Allele origin: not applicable. Functional consequence: retained intron. Not counted in ClinVar's aggregate classification.

Dr. Peter K. Rogan Lab, Western University
No classification provided (evidence only). Condition: Melanoma. Review status: no classification provided. Collection method: in vitro. Allele origin: not applicable. Functional consequence: retained intron. Not counted in ClinVar's aggregate classification.

Dr. Peter K. Rogan Lab, Western University
No classification provided (evidence only). Condition: Melanoma. Review status: no classification provided. Collection method: in vitro. Allele origin: not applicable. Functional consequence: retained intron. Not counted in ClinVar's aggregate classification.

Dr. Peter K. Rogan Lab, Western University
No classification provided (evidence only). Condition: Melanoma. Review status: no classification provided. Collection method: in vitro. Allele origin: not applicable. Functional consequence: retained intron. Not counted in ClinVar's aggregate classification.

Dr. Peter K. Rogan Lab, Western University
No classification provided (evidence only). Condition: Melanoma. Review status: no classification provided. Collection method: in vitro. Allele origin: not applicable. Functional consequence: retained intron. Not counted in ClinVar's aggregate classification.

Dr. Peter K. Rogan Lab, Western University
No classification provided (evidence only). Condition: Acute myeloid leukemia. Review status: no classification provided. Collection method: in vitro. Allele origin: not applicable. Functional consequence: retained intron. Not counted in ClinVar's aggregate classification.